The following is an entry in ClinVar:

ClinVar aggregate classification (germline): Likely benign (1 of 4 stars; one submission).

Conditions:
BSG-related disorder. Also called: BSG-related condition.

gnomAD v4.1: 476 of 1,506,522 alleles (0.032%); highest among the groups gnomAD compares: South Asian, 0.17%; 3 homozygotes.

Submission:

PreventionGenetics, part of Exact Sciences
Classification: Likely benign for BSG-related condition. Last evaluated: 2025-12-19. Review status: criteria provided, single submitter. Criteria: ACMG Guidelines, 2015. Collection method: clinical testing. Allele origin: germline.
Comment: This variant is classified as likely benign based on ACMG/AMP sequence variant interpretation guidelines (Richards et al. 2015 PMID: 25741868, with internal and published modifications).

NM_001728.4(BSG):c.27G>A (p.Leu9=)

Gene: BSG (basigin (Ok blood group); plus strand). Cytogenetic location: 19p13.3.
Variant type: single nucleotide variant.
Coding change: c.27G>A on transcript NM_001728.4 (MANE Select); coding-DNA position 27, G replaced by A.
Protein change: p.Leu9=; no amino-acid change (leucine 9 retained).
Molecular consequence: synonymous variant. On other transcripts: intron variant (2).
Genome position (GRCh38, 1-based): chr19:572,661, G>A. VCF-style: chr19-572661-G-A. GRCh37 (hg19) VCF-style: chr19-572661-G-A.
Other names: c.27G>A, p.Leu9= (NM_001322243.2, NM_198589.3); c.-213+1082G>A (NM_198590.3); c.-56+1082G>A (NM_198591.4).
Identifiers: ClinVar variation 4985499 (VCV004985499.1).
Genomic context (GRCh38, chr19:572,661, plus strand): 5'-TTGGAGGTTGTAGGACCGGCGAGGAATAGGAATCATGGCGGCTGCGCTGTTCGTGCTGCT[G>A]GGATTCGCGCTGCTGGGCACCCACGGAGCCTCCGGGGCTGGTGAGGAGCGGGTAGGGGGC-3'
Protein context (NP_001719.2, residues 1-19): MAAALFVL[Leu9=]GFALLGTHGA